The following is an entry in ClinVar:

ClinVar aggregate classification (germline): Uncertain significance. Review status: criteria provided, multiple submitters, no conflicts (2 of 4 stars). 2 submissions from 2 submitters: Uncertain significance (2). Last evaluated 2021-09-26.

Conditions:
Generalized epilepsy with febrile seizures plus, type 7 (GEFSP7). Also called: GEFS+, TYPE 7. Identifiers: Orphanet 36387, MedGen C2751778, MONDO:0013470, OMIM 613863.
Neuropathy, hereditary sensory and autonomic, type 2A (HSAN2A). Also called: WNK1-Related HSAN2 (HSAN2A); HSAN IIA; MORVAN DISEASE; NEUROPATHY, CONGENITAL SENSORY; NEUROPATHY, HEREDITARY SENSORY RADICULAR, AUTOSOMAL RECESSIVE; NEUROPATHY, HEREDITARY SENSORY, TYPE IIA. Identifiers: Orphanet 970, MedGen C2752089, MONDO:0024309, OMIM 201300.
Inborn genetic diseases. Identifiers: MedGen C0950123, MeSH D030342.

Submissions (2):

Labcorp Genetics (formerly Invitae), Labcorp
Classification: Uncertain significance for Neuropathy, hereditary sensory and autonomic, type 2A; Generalized epilepsy with febrile seizures plus, type 7. Last evaluated: 2021-09-26. Review status: criteria provided, single submitter. Criteria: Invitae Variant Classification Sherloc (09022015). Collection method: clinical testing. Allele origin: germline.
Comment: This sequence change replaces leucine with valine at codon 1284 of the SCN9A protein (p.Leu1284Val). The leucine residue is highly conserved and there is a small physicochemical difference between leucine and valine. This variant is not present in population databases (ExAC no frequency). This variant has not been reported in the literature in individuals with SCN9A-related conditions. Algorithms developed to predict the effect of missense changes on protein structure and function are either unavailable or do not agree on the potential impact of this missense change (SIFT: "Deleterious"; PolyPhen-2: "Probably Damaging"; Align-GVGD: "Class C0"). Algorithms developed to predict the effect of sequence changes on RNA splicing suggest that this variant may create or strengthen a splice site, but this prediction has not been confirmed by published transcriptional studies. In summary, the available evidence is currently insufficient to determine the role of this variant in disease. Therefore, it has been classified as a Variant of Uncertain Significance.

Ambry Genetics
Classification: Uncertain significance for Inborn genetic diseases. Last evaluated: 2019-11-14. Review status: criteria provided, single submitter. Criteria: Ambry Variant Classification Scheme 2023. Collection method: clinical testing. Allele origin: germline.
Comment: The p.L1284V variant (also known as c.3850T>G), located in coding exon 20 of the SCN9A gene, results from a T to G substitution at nucleotide position 3850. The leucine at codon 1284 is replaced by valine, an amino acid with highly similar properties. This amino acid position is highly conserved in available vertebrate species. In addition, this alteration is predicted to be deleterious by in silico analysis. Since supporting evidence is limited at this time, the clinical significance of this alteration remains unclear.

NM_001365536.1(SCN9A):c.3883T>G (p.Leu1295Val)

Genes: SCN9A (sodium voltage-gated channel alpha subunit 9; minus strand), SCN1A-AS1 (SCN1A and SCN9A antisense RNA 1; plus strand). Cytogenetic location: 2q24.3.
Variant type: single nucleotide variant.
Coding change: c.3883T>G on transcript NM_001365536.1 (MANE Select); coding-DNA position 3883, T replaced by G.
Protein change: p.Leu1295Val; replaces leucine 1295 with valine.
Molecular consequence: missense variant.
Genome position (GRCh38, 1-based): chr2:166,233,381, A>C on the plus strand (T>G on the coding strand, the complement: SCN9A is on the minus strand). VCF-style: chr2-166233381-A-C. GRCh37 (hg19) VCF-style: chr2-167089891-A-C.
Other names: c.3850T>G, p.Leu1284Val (NM_002977.4); short protein forms L1295V, L1284V.
Identifiers: ClinVar variation 1398703 (VCV001398703.5), dbSNP rs2106395561, ClinGen allele CA349066423.